The following is an entry in ClinVar:

NM_000044.6(AR):c.888C>T (p.Asp296=)

Gene: AR (androgen receptor; plus strand). Cytogenetic location: Xq12.
Variant type: single nucleotide variant.
Coding change: c.888C>T on transcript NM_000044.6 (MANE Select); coding-DNA position 888, C replaced by T.
Protein change: p.Asp296=; no amino-acid change (aspartic acid 296 retained).
Molecular consequence: synonymous variant. On other transcripts: 5 prime UTR variant (1).
Genome position (GRCh38, 1-based): chrX:67,546,034, C>T. VCF-style: chrX-67546034-C-T. GRCh37 (hg19) VCF-style: chrX-66765876-C-T.
Other names: c.-896C>T (NM_001011645.3); c.888C>T, p.Asp296= (NM_001348061.1, NM_001348063.1, NM_001348064.1 and 1 more transcripts).
Identifiers: ClinVar variation 2660772 (VCV002660772.27), dbSNP rs779690243, ClinGen allele CA10436331.
Genomic context (GRCh38, chrX:67,546,034, plus strand): 5'-ACCCGCTGTGCGTCCCACTCCTTGTGCCCCATTGGCCGAATGCAAAGGTTCTCTGCTAGA[C>T]GACAGCGCAGGCAAGAGCACTGAAGATACTGCTGAGTATTCCCCTTTCAAGGGAGGTTAC-3'
Protein context (NP_000035.2, residues 286-306): PLAECKGSLL[Asp296=]DSAGKSTEDT

ClinVar aggregate classification (germline): Likely benign. Review status: criteria provided, multiple submitters, no conflicts (2 of 4 stars). 2 submissions from 2 submitters: Likely benign (2). Last evaluated 2023-09-05.

Conditions:
Kennedy disease (SMAX1). Also called: SPINAL AND BULBAR MUSCULAR ATROPHY, X-LINKED 1; KENNEDY SPINAL AND BULBAR MUSCULAR ATROPHY; Spinal and Bulbar Muscular Atrophy. Identifiers: Orphanet 481, MedGen C1839259, MONDO:0010735, OMIM 313200.
Androgen resistance syndrome (AIS). Also called: Androgen insensitivity; DHTR DEFICIENCY; ANDROGEN RECEPTOR DEFICIENCY; DIHYDROTESTOSTERONE RECEPTOR DEFICIENCY; TESTICULAR FEMINIZATION SYNDROME; Androgen insensitivity syndrome. Identifiers: Orphanet 754, Orphanet 99429, MedGen C0039585, MONDO:0019154, OMIM 300068. Disease mechanism: loss of function.

Allele frequency attached by ClinVar (database versions not stated): ExAC 0.00001.
gnomAD v4.1: 5 of 1,212,313 alleles (0.00041%); highest among the groups gnomAD compares: Non-Finnish European, 0.00045%; no homozygotes.

Submissions (2):

Labcorp Genetics (formerly Invitae), Labcorp
Classification: Likely benign for Kennedy disease; Androgen resistance syndrome. Last evaluated: 2023-09-05. Review status: criteria provided, single submitter. Criteria: Invitae Variant Classification Sherloc (09022015). Collection method: clinical testing. Allele origin: germline.

CeGaT Center for Human Genetics Tuebingen
Classification: Likely benign. Last evaluated: 2023-05-01. Review status: criteria provided, single submitter. Criteria: CeGaT Center For Human Genetics Tuebingen Variant Classification Criteria Version 2. Collection method: clinical testing. Allele origin: germline. Affected: yes. Observed: 1 variant allele.
Comment: AR: BP4, BP7